The following is an entry in ClinVar:

NM_025212.4(CXXC4):c.369C>A (p.Gly123=)

Genes: CXXC4 (CXXC finger protein 4; minus strand), CXXC4-AS1 (CXXC4 antisense RNA 1; plus strand). Cytogenetic location: 4q24.
Variant type: single nucleotide variant.
Coding change: c.369C>A on transcript NM_025212.4 (MANE Select); coding-DNA position 369, C replaced by A.
Protein change: p.Gly123=; no amino-acid change (glycine 123 retained).
Molecular consequence: synonymous variant.
Genome position (GRCh38, 1-based): chr4:104,491,434, G>T on the plus strand (C>A on the coding strand, the complement: CXXC4 is on the minus strand). VCF-style: chr4-104491434-G-T. GRCh37 (hg19) VCF-style: chr4-105412591-G-T.
Identifiers: ClinVar variation 3389045 (VCV003389045.14).

ClinVar aggregate classification (germline): Likely benign (1 of 4 stars; one submission).

Submission:

CeGaT Center for Human Genetics Tuebingen
Classification: Likely benign. Last evaluated: 2024-10-01. Review status: criteria provided, single submitter. Criteria: CeGaT Center For Human Genetics Tuebingen Variant Classification Criteria Version 2. Collection method: clinical testing. Allele origin: germline. Affected: yes. Observed: 1 variant allele.
Comment: CXXC4: BP4, BP7